The following is an entry in ClinVar:

ClinVar aggregate classification (germline): Uncertain significance. Review status: criteria provided, multiple submitters, no conflicts (2 of 4 stars). 2 submissions from 2 submitters: Uncertain significance (2). Last evaluated 2024-10-21.

Conditions:
MIPOL1-related disorder. Also called: MIPOL1-related condition.

Allele frequency attached by ClinVar (database versions not stated): gnomAD 0.00003; gnomAD exomes 0.00003; TOPMed 0.00004; ExAC 0.00005.
gnomAD v4.1: 52 of 1,605,636 alleles (0.0032%); highest among the groups gnomAD compares: East Asian, 0.009%; no homozygotes.

Submissions (2):

Ambry Genetics
Classification: Uncertain significance. Last evaluated: 2024-10-21. Review status: criteria provided, single submitter. Criteria: Ambry Variant Classification Scheme 2023. Collection method: clinical testing. Allele origin: germline.

PreventionGenetics, part of Exact Sciences
Classification: Uncertain significance for MIPOL1-related condition. Last evaluated: 2023-01-12. Review status: criteria provided, single submitter. Criteria: ACMG Guidelines, 2015. Collection method: clinical testing. Allele origin: germline.
Comment: The MIPOL1 c.952A>G variant is predicted to result in the amino acid substitution p.Met318Val. To our knowledge, this variant has not been reported in the literature. This variant is reported in 0.011% of alleles in individuals of East Asian descent in gnomAD. At this time, the clinical significance of this variant is uncertain due to the absence of conclusive functional and genetic evidence.

NM_001388067.1(MIPOL1):c.952A>G (p.Met318Val)

Gene: MIPOL1 (mirror-image polydactyly 1; plus strand). Cytogenetic location: 14q21.1.
Variant type: single nucleotide variant.
Coding change: c.952A>G on transcript NM_001388067.1 (MANE Select); coding-DNA position 952, A replaced by G.
Protein change: p.Met318Val; replaces methionine 318 with valine.
Molecular consequence: missense variant.
Genome position (GRCh38, 1-based): chr14:37,422,870, A>G. VCF-style: chr14-37422870-A-G. GRCh37 (hg19) VCF-style: chr14-37892075-A-G.
Other names: c.952A>G, p.Met318Val (NM_001195296.2, NM_001195297.2, NM_001388068.1 and 4 more transcripts); c.859A>G, p.Met287Val (NM_001388070.1, NM_001388071.1, NM_001388072.1); c.844A>G, p.Met282Val (NM_001388073.1); c.751A>G, p.Met251Val (NM_001388074.1, NM_001388075.1); c.952A>G (NM_138731.6); short protein forms M251V, M282V, M287V, M318V.
Identifiers: ClinVar variation 2215888 (VCV002215888.4), dbSNP rs757987681, ClinGen allele CA7159860.